The following is an entry in ClinVar:

ClinVar aggregate classification (germline): Uncertain significance (1 of 4 stars; one submission).

gnomAD v4.1: 3 of 1,604,128 alleles (0.00019%); highest among the groups gnomAD compares: South Asian, 0.0022%; no homozygotes.

Submission:

GeneDx
Classification: Uncertain significance. Last evaluated: 2024-06-03. Review status: criteria provided, single submitter. Criteria: GeneDx Variant Classification Process June 2021. Collection method: clinical testing. Allele origin: germline. Affected: yes.
Comment: Not observed at significant frequency in large population cohorts (gnomAD); In silico analysis indicates that this missense variant does not alter protein structure/function; Has not been previously published as pathogenic or benign to our knowledge

NM_004387.4(NKX2-5):c.790T>C (p.Cys264Arg)

Gene: NKX2-5 (NK2 homeobox 5; minus strand). Cytogenetic location: 5q35.1.
Variant type: single nucleotide variant.
Coding change: c.790T>C on transcript NM_004387.4 (MANE Select); coding-DNA position 790, T replaced by C.
Protein change: p.Cys264Arg; replaces cysteine 264 with arginine.
Molecular consequence: missense variant. On other transcripts: 3 prime UTR variant (2).
Genome position (GRCh38, 1-based): chr5:173,232,754, A>G on the plus strand (T>C on the coding strand, the complement: NKX2-5 is on the minus strand). VCF-style: chr5-173232754-A-G. GRCh37 (hg19) VCF-style: chr5-172659757-A-G.
Other names: c.*743T>C (NM_001166175.2); c.*589T>C (NM_001166176.2); short protein forms C264R.
Identifiers: ClinVar variation 3384613 (VCV003384613.1).
Genomic context (GRCh38, chr5:173,232,754, plus strand): 5'-CCGGCTGCGCTGGGGAAGGCCCGGCGGGGTAAGCGGCAGTGCAGCTGTAGCCAGGGCTGC[A>G]GGCCGCGCCGCCGTAACCCGGATAGGCGGGGTAGGCGTTATAACCGTAGGGATTGAGGCC-3'
Protein context (NP_004378.1, residues 254-274): PAYPGYGGAA[Cys264Arg]SPGYSCTAAY